The following is an entry in ClinVar:

ClinVar aggregate classification (germline): Uncertain significance (1 of 4 stars; one submission).

Conditions:
Ataxia-telangiectasia syndrome (AT). Also called: Ataxia-telangiectasia, complementation group D; AT, COMPLEMENTATION GROUP C; ATAXIA-TELANGIECTASIA, COMPLEMENTATION GROUP A; ATAXIA-TELANGIECTASIA, FRESNO VARIANT; Ataxia-telangiectasia; Ataxia-telangiectasia, complementation group E. Identifiers: Orphanet 100, MedGen C0004135, MONDO:0008840, OMIM 208900.

Submission:

Labcorp Genetics (formerly Invitae), Labcorp
Classification: Uncertain significance for Ataxia-telangiectasia syndrome. Last evaluated: 2025-12-04. Review status: criteria provided, single submitter. Criteria: Invitae Variant Classification Sherloc (09022015). Collection method: clinical testing. Allele origin: germline.
Comment: This sequence change falls in intron 51 of the ATM gene. It does not directly change the encoded amino acid sequence of the ATM protein. It affects a nucleotide within the consensus splice site. This variant is not present in population databases (gnomAD no frequency). This variant has not been reported in the literature in individuals affected with ATM-related conditions. Variants that disrupt the consensus splice site are a relatively common cause of aberrant splicing (PMID: 17576681, 9536098). Algorithms developed to predict the effect of sequence changes on RNA splicing suggest that this variant may disrupt the consensus splice site. In summary, the available evidence is currently insufficient to determine the role of this variant in disease. Therefore, it has been classified as a Variant of Uncertain Significance.

Literature cited by the submitters: PubMed 17576681; PubMed 9536098.

NM_000051.4(ATM):c.7629+5G>A

Genes: ATM (ATM serine/threonine kinase; plus strand), C11orf65 (chromosome 11 open reading frame 65; minus strand). Cytogenetic location: 11q22.3.
Variant type: single nucleotide variant.
Coding change: c.7629+5G>A on transcript NM_000051.4 (MANE Select); 5 bases into the intron after coding-DNA position 7629, G replaced by A.
Molecular consequence: intron variant. On other transcripts: non-coding transcript variant (1).
Genome position (GRCh38, 1-based): chr11:108,331,562, G>A. VCF-style: chr11-108331562-G-A. GRCh37 (hg19) VCF-style: chr11-108202289-G-A.
Other names: c.7629+5G>A (NM_001351834.2); c.641-22491C>T (NM_001330368.2); c.*38+3658C>T (NM_001351110.2).
Identifiers: ClinVar variation 4732581 (VCV004732581.1).